The following is an entry in ClinVar:

ClinVar aggregate classification (germline): Uncertain significance (1 of 4 stars; one submission).

Submission:

Labcorp Genetics (formerly Invitae), Labcorp
Classification: Uncertain significance. Last evaluated: 2026-01-21. Review status: criteria provided, single submitter. Criteria: Invitae Variant Classification Sherloc (09022015). Collection method: clinical testing. Allele origin: germline.
Comment: This sequence change replaces methionine, which is neutral and non-polar, with isoleucine, which is neutral and non-polar, at codon 256 of the RGR protein (p.Met256Ile). This variant is not present in population databases (gnomAD no frequency). This variant has not been reported in the literature in individuals affected with RGR-related conditions. Experimental studies and prediction algorithms are not available or were not evaluated, and the functional significance of this variant is currently unknown. In summary, the available evidence is currently insufficient to determine the role of this variant in disease. Therefore, it has been classified as a Variant of Uncertain Significance.

NM_001012720.2(RGR):c.768G>A (p.Met256Ile)

Gene: RGR (retinal G protein coupled receptor; plus strand). Cytogenetic location: 10q23.1.
Variant type: single nucleotide variant.
Coding change: c.768G>A on transcript NM_001012720.2 (MANE Select); coding-DNA position 768, G replaced by A.
Protein change: p.Met256Ile; replaces methionine 256 with isoleucine.
Molecular consequence: missense variant.
Genome position (GRCh38, 1-based): chr10:84,258,531, G>A. VCF-style: chr10-84258531-G-A. GRCh37 (hg19) VCF-style: chr10-86018287-G-A.
Other names: c.654G>A, p.Met218Ile (NM_001012722.2); c.780G>A, p.Met260Ile (NM_002921.4); short protein forms M218I, M256I, M260I.
Identifiers: ClinVar variation 4804925 (VCV004804925.1).
Genomic context (GRCh38, chr10:84,258,531, plus strand): 5'-TTTGAAGCTTCTTTTCTGGACTTTTCTGCCACAACAGGTGCCCGCCCTCATTGCCAAAAT[G>A]GTGCCCACGATCAATGCCATCAACTATGCCCTGGGCAATGAGATGGTCTGCAGGGGAATC-3'
Protein context (NP_001012738.1, residues 246-266): LQMVPALIAK[Met256Ile]VPTINAINYA